The following is an entry in ClinVar:

ClinVar aggregate classification (germline): Uncertain significance. Review status: criteria provided, multiple submitters, no conflicts (2 of 4 stars). 3 submissions from 3 submitters: Uncertain significance (3). Last evaluated 2025-09-15.

Conditions:
Cardiovascular phenotype. Identifiers: MedGen CN230736.
Hereditary cancer-predisposing syndrome. Also called: Neoplastic Syndromes, Hereditary; Hereditary Cancer Syndrome; Tumor predisposition; Hereditary neoplastic syndrome. Identifiers: Orphanet 140162, MedGen C0027672, MeSH D009386, MONDO:0015356.

Submissions (3):

Ambry Genetics
Classification: Uncertain significance for Cardiovascular phenotype; Hereditary cancer-predisposing syndrome. Last evaluated: 2025-09-15. Review status: criteria provided, single submitter. Criteria: Ambry Variant Classification Scheme 2023. Collection method: clinical testing. Allele origin: germline.
Comment: The p.L1521V variant (also known as c.4561C>G), located in coding exon 34 of the NF1 gene, results from a C to G substitution at nucleotide position 4561. The leucine at codon 1521 is replaced by valine, an amino acid with highly similar properties. This amino acid position is highly conserved in available vertebrate species. In addition, this alteration is predicted to be deleterious by in silico analysis. Based on the available evidence, the clinical significance of this variant remains unclear.

GeneDx
Classification: Uncertain significance. Last evaluated: 2020-08-19. Review status: criteria provided, single submitter. Criteria: GeneDx Variant Classification Process June 2021. Collection method: clinical testing. Allele origin: germline. Affected: yes.
Comment: Not observed in large population cohorts (Lek et al., 2016); In silico analysis supports that this missense variant has a deleterious effect on protein structure/function; Has not been previously published as pathogenic or benign to our knowledge; This variant is associated with the following publications: (PMID: 32107864)

Laboratory for Molecular Medicine, Mass General Brigham Personalized Medicine
Classification: Uncertain significance. Last evaluated: 2016-04-25. Review status: criteria provided, single submitter. Criteria: LMM Criteria. Collection method: clinical testing. Allele origin: germline. Observed: 1 variant allele.
Comment: The p.Leu1542Val variant in NF1 has not been previously reported in individuals with a RASopathy disorder or in large population studies. Computational predicti on tools and conservation analysis suggest that this variant may impact the prot ein, though this information is not predictive enough to determine pathogenicity . In summary, the clinical significance of the p.Leu1542Val variant is uncertain .

NM_001042492.3(NF1):c.4624C>G (p.Leu1542Val)

Gene: NF1 (neurofibromin 1; plus strand). Cytogenetic location: 17q11.2.
Variant type: single nucleotide variant.
Coding change: c.4624C>G on transcript NM_001042492.3 (MANE Select); coding-DNA position 4624, C replaced by G.
Protein change: p.Leu1542Val; replaces leucine 1542 with valine.
Molecular consequence: missense variant.
Genome position (GRCh38, 1-based): chr17:31,261,757, C>G. VCF-style: chr17-31261757-C-G. GRCh37 (hg19) VCF-style: chr17-29588775-C-G.
Other names: c.4561C>G, p.Leu1521Val (NM_000267.4); short protein forms L1521V, L1542V.
Identifiers: ClinVar variation 504984 (VCV000504984.8), dbSNP rs1555619011, ClinGen allele CA399000263.